The following is an entry in ClinVar:

ClinVar aggregate classification (germline): Conflicting classifications of pathogenicity. Review status: criteria provided, conflicting classifications (1 of 4 stars). 2 submissions from 2 submitters: Uncertain significance (1); Likely benign (1). Last evaluated 2024-11-20.

Conditions:
Hereditary cancer-predisposing syndrome. Also called: Hereditary Cancer Syndrome; Hereditary neoplastic syndrome; Neoplastic Syndromes, Hereditary; Tumor predisposition. Identifiers: Orphanet 140162, MedGen C0027672, MeSH D009386, MONDO:0015356.
Multiple endocrine neoplasia, type 2 (MEN2). Identifiers: Orphanet 653, MedGen C4048306, MONDO:0019003. Disease mechanism: gain of function.

Allele frequency attached by ClinVar (database versions not stated): gnomAD exomes below 0.00001.
gnomAD v4.1: 4 of 1,613,644 alleles (0.00025%); highest among the groups gnomAD compares: Non-Finnish European, 0.00017%; no homozygotes.

Submissions (2):

Labcorp Genetics (formerly Invitae), Labcorp
Classification: Likely benign for Multiple endocrine neoplasia, type 2. Last evaluated: 2024-11-20. Review status: criteria provided, single submitter. Criteria: Invitae Variant Classification Sherloc (09022015). Collection method: clinical testing. Allele origin: germline.

Sema4
Classification: Uncertain significance for Hereditary cancer-predisposing syndrome. Last evaluated: 2021-06-15. Review status: criteria provided, single submitter. Criteria: Sema4 Curation Guidelines. Collection method: curation. Allele origin: germline.
Comment: The RET c.1264-6C>T variant has not been reported in the literature to our knowledge. It was observed in 1/21412 chromosomes of the Finnish subpopulation in the large and broad cohorts of the Genome Aggregation Database. The variant has not been reported in ClinVar. In silico tools suggest that the variant does not impact splicing, though these predictions have not been confirmed by functional studies. The evidence is insufficient to meet ACMG/AMP criteria for classifying the variant as benign or pathogenic. Thus, the clinical significance of this variant is currently uncertain.

NM_020975.6(RET):c.1264-6C>T

Gene: RET (ret proto-oncogene; plus strand). Cytogenetic location: 10q11.21.
Variant type: single nucleotide variant.
Coding change: c.1264-6C>T on transcript NM_020975.6 (MANE Select); 6 bases into the intron before coding-DNA position 1264, C replaced by T.
Molecular consequence: intron variant.
Genome position (GRCh38, 1-based): chr10:43,111,201, C>T. VCF-style: chr10-43111201-C-T. GRCh37 (hg19) VCF-style: chr10-43606649-C-T.
Other names: c.1264-6C>T (NM_020630.7, NM_001406743.1, NM_001406744.1 and 4 more transcripts); c.868-6C>T (NM_001406772.1, NM_001406769.1); c.826-6C>T (NM_001406773.1, NM_001406771.1); c.626-898C>T (NM_001406782.1, NM_001406780.1, NM_001406779.1 and 3 more transcripts); c.1135-6C>T (NM_001406764.1, NM_001406762.1, NM_001406761.1 and 1 more transcripts); c.739-6C>T (NM_001406774.1); c.497-898C>T (NM_001406786.1, NM_001406783.1); c.976-6C>T (NM_001406770.1, NM_001406766.1, NM_001406767.1); and 5 more.
Identifiers: ClinVar variation 1691911 (VCV001691911.6), dbSNP rs1255010070, ClinGen allele CA593289958.
Genomic context (GRCh38, chr10:43,111,201, plus strand): 5'-TCTACCCTCAGGCCATTACAGGCCGGTCCAGCTGCCTGGCTAAGGTGTTCCCCTGTGCCC[C>T]CCTAGATCGGGAAAGTCTGTGTGGAAAACTGCCAGGCATTCAGTGGCATCAACGTCCAGT-3'